The following is an entry in ClinVar:

ClinVar aggregate classification (germline): Likely benign (0 of 4 stars; one submission).

Conditions:
BSN-related disorder. Also called: BSN-related condition.

Allele frequency attached by ClinVar (database versions not stated): ExAC 0.00006; TOPMed 0.00010.
gnomAD v4.1: 161 of 1,612,280 alleles (0.01%); highest among the groups gnomAD compares: Middle Eastern, 0.48%; no homozygotes.

Submission:

PreventionGenetics, part of Exact Sciences
Classification: Likely benign for BSN-related condition. Last evaluated: 2019-07-10. Review status: no assertion criteria provided. Collection method: clinical testing. Allele origin: germline.
Comment: This variant is classified as likely benign based on ACMG/AMP sequence variant interpretation guidelines (Richards et al. 2015 PMID: 25741868, with internal and published modifications).

NM_003458.4(BSN):c.3744G>A (p.Thr1248=)

Gene: BSN (bassoon presynaptic cytomatrix protein; plus strand). Cytogenetic location: 3p21.31.
Variant type: single nucleotide variant.
Coding change: c.3744G>A on transcript NM_003458.4 (MANE Select); coding-DNA position 3744, G replaced by A.
Protein change: p.Thr1248=; no amino-acid change (threonine 1248 retained).
Molecular consequence: synonymous variant.
Genome position (GRCh38, 1-based): chr3:49,653,300, G>A. VCF-style: chr3-49653300-G-A. GRCh37 (hg19) VCF-style: chr3-49690733-G-A.
Identifiers: ClinVar variation 3042427 (VCV003042427.2), dbSNP rs774678530, ClinGen allele CA2400016.